The following is an entry in ClinVar:

ClinVar aggregate classification (germline): Likely benign (0 of 4 stars; one submission).

Conditions:
PRR12-related disorder. Also called: PRR12-related condition.

Allele frequency attached by ClinVar (database versions not stated): ExAC 0.00001; gnomAD exomes 0.00002; gnomAD 0.00003; TOPMed 0.00003; ESP Exome Variant Server 0.00008.
gnomAD v4.1: 32 of 1,612,918 alleles (0.002%); highest among the groups gnomAD compares: Middle Eastern, 0.016%; no homozygotes.

Submission:

PreventionGenetics, part of Exact Sciences
Classification: Likely benign for PRR12-related condition. Last evaluated: 2021-06-10. Review status: no assertion criteria provided. Collection method: clinical testing. Allele origin: germline.
Comment: This variant is classified as likely benign based on ACMG/AMP sequence variant interpretation guidelines (Richards et al. 2015 PMID: 25741868, with internal and published modifications).

NM_020719.3(PRR12):c.4266G>A (p.Pro1422=)

Gene: PRR12 (proline rich 12; plus strand). Cytogenetic location: 19q13.33.
Variant type: single nucleotide variant.
Coding change: c.4266G>A on transcript NM_020719.3 (MANE Select); coding-DNA position 4266, G replaced by A.
Protein change: p.Pro1422=; no amino-acid change (proline 1422 retained).
Molecular consequence: synonymous variant.
Genome position (GRCh38, 1-based): chr19:49,599,859, G>A. VCF-style: chr19-49599859-G-A. GRCh37 (hg19) VCF-style: chr19-50103116-G-A.
Identifiers: ClinVar variation 3057676 (VCV003057676.2), dbSNP rs369872338, ClinGen allele CA9578433.
Genomic context (GRCh38, chr19:49,599,859, plus strand): 5'-CTCTGCCCTCGATGACCCACCCCTTGCTGGGCCAAAAGACACTTCCACCCCAGATGGGCC[G>A]CCCTTGGCCCCCGCGGCTGCAGTTCCAGGGCCACCCCCTCTTCCGGGGCTCCCCAGTGCC-3'
Protein context (NP_065770.1, residues 1412-1432): GPKDTSTPDG[Pro1422=]PLAPAAAVPG